The following is an entry in ClinVar:

NM_015488.5(PNKD):c.854C>A (p.Thr285Asn)

Genes: CATIP-AS2 (CATIP antisense RNA 2; minus strand), PNKD (PNKD metallo-beta-lactamase domain containing; plus strand). Cytogenetic location: 2q35.
Variant type: single nucleotide variant.
Coding change: c.854C>A on transcript NM_015488.5 (MANE Select); coding-DNA position 854, C replaced by A.
Protein change: p.Thr285Asn; replaces threonine 285 with asparagine.
Molecular consequence: missense variant.
Genome position (GRCh38, 1-based): chr2:218,343,572, C>A. VCF-style: chr2-218343572-C-A. GRCh37 (hg19) VCF-style: chr2-219208295-C-A.
Other names: c.782C>A, p.Thr261Asn (NM_022572.5); short protein forms T285N, T261N.
Identifiers: ClinVar variation 574145 (VCV000574145.10), dbSNP rs754573542, ClinGen allele CA350542232.

ClinVar aggregate classification (germline): Uncertain significance (1 of 4 stars; one submission).

Conditions:
Paroxysmal nonkinesigenic dyskinesia. Also called: Paroxysmal non-kinesigenic dyskinesia. Identifiers: Orphanet 98810, MedGen C1869117, MONDO:0700088.

Allele frequency attached by ClinVar (database versions not stated): gnomAD 0.00001; TOPMed 0.00002.
gnomAD v4.1: 4 of 1,612,608 alleles (0.00025%); highest among the groups gnomAD compares: African/African-American, 0.0027%; no homozygotes.

Submission:

Labcorp Genetics (formerly Invitae), Labcorp
Classification: Uncertain significance for Paroxysmal nonkinesigenic dyskinesia. Last evaluated: 2022-07-11. Review status: criteria provided, single submitter. Criteria: Invitae Variant Classification Sherloc (09022015). Collection method: clinical testing. Allele origin: germline.
Comment: In summary, the available evidence is currently insufficient to determine the role of this variant in disease. Therefore, it has been classified as a Variant of Uncertain Significance. Algorithms developed to predict the effect of missense changes on protein structure and function are either unavailable or do not agree on the potential impact of this missense change (SIFT: "Tolerated"; PolyPhen-2: "Probably Damaging"; Align-GVGD: "Class C0"). ClinVar contains an entry for this variant (Variation ID: 574145). This variant has not been reported in the literature in individuals affected with PNKD-related conditions. This variant is not present in population databases (gnomAD no frequency). This sequence change replaces threonine, which is neutral and polar, with asparagine, which is neutral and polar, at codon 285 of the PNKD protein (p.Thr285Asn).